The following is an entry in ClinVar:

NM_182961.4(SYNE1):c.8557A>G (p.Thr2853Ala)

Genes: SYNE1 (spectrin repeat containing nuclear envelope protein 1; minus strand), LOC126859838 (CDK7 strongly-dependent group 2 enhancer GRCh37_chr6:152706655-152707854; plus strand). Cytogenetic location: 6q25.2.
Variant type: single nucleotide variant.
Coding change: c.8557A>G on transcript NM_182961.4 (MANE Select); coding-DNA position 8557, A replaced by G.
Protein change: p.Thr2853Ala; replaces threonine 2853 with alanine.
Molecular consequence: missense variant.
Genome position (GRCh38, 1-based): chr6:152,385,769, T>C on the plus strand (A>G on the coding strand, the complement: SYNE1 is on the minus strand). VCF-style: chr6-152385769-T-C. GRCh37 (hg19) VCF-style: chr6-152706904-T-C.
Other names: c.8578A>G, p.Thr2860Ala (NM_033071.5); short protein forms T2860A, T2853A.
Identifiers: ClinVar variation 286712 (VCV000286712.16), dbSNP rs77853132, ClinGen allele CA4057515.
Genomic context (GRCh38, chr6:152,385,769, plus strand): 5'-AATCTCCAGACATATCTGACCACCGGTGAAGTTCTTCCTTTGCTGAATGGAGCCAATCTG[T>C]GAACTCGTGGACCGCATCTAAATACATTAGATGATCTTTCACAATCTCTTCCACTTTCCT-3'
Protein context (NP_892006.3, residues 2843-2863): LMYLDAVHEF[Thr2853Ala]DWLHSAKEEL

ClinVar aggregate classification (germline): Conflicting classifications of pathogenicity. Review status: criteria provided, conflicting classifications (1 of 4 stars). 6 submissions from 5 submitters: Uncertain significance (1); Benign (1); Likely benign (4). Last evaluated 2025-08-09.

Conditions:
Autosomal recessive ataxia, Beauce type. Also called: Spinocerebellar ataxia, autosomal recessive 8; ATAXIA, RECESSIVE, OF BEAUCE; SYNE1 Deficiency; SYNE1-Related Autosomal Recessive Cerebellar Ataxia. Identifiers: Orphanet 88644, MedGen C1853116, MONDO:0012549, OMIM 610743.
Emery-Dreifuss muscular dystrophy 4, autosomal dominant (EDMD4). Also called: EMERY-DREIFUSS MUSCULAR DYSTROPHY 4 WITH VARIABLE FEATURES. Identifiers: Orphanet 261, MedGen C2751807, MONDO:0013071, OMIM 612998.

Allele frequency attached by ClinVar (database versions not stated): gnomAD 0.00011 and 0.00016; gnomAD exomes 0.00018 and 0.00049; TOPMed 0.00026; ExAC 0.00053; 1000 Genomes Project 30x 0.00109; 1000 Genomes Project 0.00140.
gnomAD v4.1: 289 of 1,614,160 alleles (0.018%); highest among the groups gnomAD compares: East Asian, 0.61%; no homozygotes.

Submissions (6):

Labcorp Genetics (formerly Invitae), Labcorp
Classification: Likely benign for Emery-Dreifuss muscular dystrophy 4, autosomal dominant; Autosomal recessive ataxia, Beauce type. Last evaluated: 2025-08-09. Review status: criteria provided, single submitter. Criteria: Invitae Variant Classification Sherloc (09022015). Collection method: clinical testing. Allele origin: germline.

Illumina Laboratory Services, Illumina
Classification: Benign for Emery-Dreifuss muscular dystrophy 4, autosomal dominant. Last evaluated: 2018-01-13. Review status: criteria provided, single submitter. Criteria: ICSL Variant Classification Criteria 13 December 2019. Collection method: clinical testing. Allele origin: germline.
Comment: This variant was observed in the ICSL laboratory as part of a predisposition screen in an ostensibly healthy population. It had not been previously curated by ICSL or reported in the Human Gene Mutation Database (HGMD: prior to June 1st, 2018), and was therefore a candidate for classification through an automated scoring system. Utilizing variant allele frequency, disease prevalence and penetrance estimates, and inheritance mode, an automated score was calculated to assess if this variant is too frequent to cause the disease. Based on the score and internal cut-off values, a variant classified as benign is not then subjected to further curation. The score for this variant resulted in a classification of benign for this disease.

Illumina Laboratory Services, Illumina
Classification: Likely benign for Autosomal recessive ataxia, Beauce type. Last evaluated: 2018-01-13. Review status: criteria provided, single submitter. Criteria: ICSL Variant Classification Criteria 13 December 2019. Collection method: clinical testing. Allele origin: germline.
Comment: This variant was observed in the ICSL laboratory as part of a predisposition screen in an ostensibly healthy population. It had not been previously curated by ICSL or reported in the Human Gene Mutation Database (HGMD: prior to June 1st, 2018), and was therefore a candidate for classification through an automated scoring system. Utilizing variant allele frequency, disease prevalence and penetrance estimates, and inheritance mode, an automated score was calculated to assess if this variant is too frequent to cause the disease. Based on the score and internal cut-off values, a variant classified as likely benign is not then subjected to further curation. The score for this variant resulted in a classification of likely benign for this disease.

GeneDx
Classification: Likely benign. Last evaluated: 2017-10-05. Review status: criteria provided, single submitter. Criteria: GeneDx Variant Classification (06012015). Collection method: clinical testing. Allele origin: germline. Affected: yes.
Comment: This variant is considered likely benign or benign based on one or more of the following criteria: it is a conservative change, it occurs at a poorly conserved position in the protein, it is predicted to be benign by multiple in silico algorithms, and/or has population frequency not consistent with disease.

Athena Diagnostics
Classification: Uncertain significance. Last evaluated: 2017-03-14. Review status: criteria provided, single submitter. Criteria: Athena Diagnostics Criteria. Collection method: clinical testing. Allele origin: germline.

Eurofins Ntd Llc (ga)
Classification: Likely benign. Last evaluated: 2016-11-02. Review status: criteria provided, single submitter. Criteria: EGL Classification Definitions 2015. Collection method: clinical testing. Allele origin: germline. Observed: 3 variant alleles, 3 heterozygotes.